The following is an entry in ClinVar:

ClinVar aggregate classification (germline): Uncertain significance (1 of 4 stars; one submission).

Conditions:
Hereditary cancer-predisposing syndrome. Also called: Neoplastic Syndromes, Hereditary; Tumor predisposition; Hereditary neoplastic syndrome; Hereditary Cancer Syndrome. Identifiers: Orphanet 140162, MedGen C0027672, MeSH D009386, MONDO:0015356.

Submission:

Ambry Genetics
Classification: Uncertain significance for Hereditary cancer-predisposing syndrome. Last evaluated: 2023-10-20. Review status: criteria provided, single submitter. Criteria: Ambry Variant Classification Scheme 2023. Collection method: clinical testing. Allele origin: germline.
Comment: The p.E511G variant (also known as c.1532A>G), located in coding exon 8 of the RET gene, results from an A to G substitution at nucleotide position 1532. The glutamic acid at codon 511 is replaced by glycine, an amino acid with similar properties. This amino acid position is conserved. In addition, the in silico prediction for this alteration is inconclusive. Since supporting evidence is limited at this time, the clinical significance of this alteration remains unclear.

NM_020975.6(RET):c.1532A>G (p.Glu511Gly)

Gene: RET (ret proto-oncogene; plus strand). Cytogenetic location: 10q11.21.
Variant type: single nucleotide variant.
Coding change: c.1532A>G on transcript NM_020975.6 (MANE Select); coding-DNA position 1532, A replaced by G.
Protein change: p.Glu511Gly; replaces glutamic acid 511 with glycine.
Molecular consequence: missense variant.
Genome position (GRCh38, 1-based): chr10:43,112,108, A>G. VCF-style: chr10-43112108-A-G. GRCh37 (hg19) VCF-style: chr10-43607556-A-G.
Other names: c.1532A>G, p.Glu511Gly (NM_000323.2, NM_001406743.1, NM_001406744.1 and 6 more transcripts); c.770A>G, p.Glu257Gly (NM_001355216.2); c.1403A>G, p.Glu468Gly (NM_001406761.1, NM_001406762.1, NM_001406764.1 and 1 more transcripts); c.1244A>G, p.Glu415Gly (NM_001406766.1, NM_001406767.1, NM_001406770.1); c.1136A>G, p.Glu379Gly (NM_001406769.1, NM_001406772.1); c.1094A>G, p.Glu365Gly (NM_001406771.1, NM_001406773.1); c.1007A>G, p.Glu336Gly (NM_001406774.1); c.806A>G, p.Glu269Gly (NM_001406775.1, NM_001406776.1, NM_001406777.1 and 1 more transcripts); and 5 more; short protein forms E116G, E169G, E181G, E212G, E257G, E269G, E28G, E336G.
Identifiers: ClinVar variation 3227509 (VCV003227509.1), dbSNP rs1588872043, ClinGen allele CA376550217.